The following is an entry in ClinVar:

ClinVar aggregate classification (germline): Uncertain significance. Review status: criteria provided, multiple submitters, no conflicts (2 of 4 stars). 2 submissions from 2 submitters: Uncertain significance (2). Last evaluated 2024-05-08.

Conditions:
Hereditary cancer-predisposing syndrome. Also called: Hereditary neoplastic syndrome; Neoplastic Syndromes, Hereditary; Tumor predisposition; Hereditary Cancer Syndrome. Identifiers: Orphanet 140162, MedGen C0027672, MeSH D009386, MONDO:0015356.

Allele frequency attached by ClinVar (database versions not stated): TOPMed below 0.00001; gnomAD 0.00001.
gnomAD v4.1: 1 of 1,606,554 alleles (0.000062%); highest among the groups gnomAD compares: African/African-American, 0.0013%; no homozygotes.

Submissions (2):

Ambry Genetics
Classification: Uncertain significance for Hereditary cancer-predisposing syndrome. Last evaluated: 2024-05-08. Review status: criteria provided, single submitter. Criteria: Ambry Variant Classification Scheme 2023. Collection method: clinical testing. Allele origin: germline.
Comment: The p.G273R variant (also known as c.817G>A), located in coding exon 3 of the XRCC2 gene, results from a G to A substitution at nucleotide position 817. The glycine at codon 273 is replaced by arginine, an amino acid with dissimilar properties. This amino acid position is conserved. In addition, this alteration is predicted to be tolerated by in silico analysis. Based on the available evidence, the clinical significance of this variant remains unclear.

Institute for Clinical Genetics, University Hospital TU Dresden, University Hospital TU Dresden
Classification: Uncertain significance. Last evaluated: 2021-11-03. Review status: criteria provided, single submitter. Criteria: ACMG Guidelines, 2015. Collection method: clinical testing. Allele origin: germline.

NM_005431.2(XRCC2):c.817G>A (p.Gly273Arg)

Gene: XRCC2 (X-ray repair cross complementing 2; minus strand). Cytogenetic location: 7q36.1.
Variant type: single nucleotide variant.
Coding change: c.817G>A on transcript NM_005431.2 (MANE Select); coding-DNA position 817, G replaced by A.
Protein change: p.Gly273Arg; replaces glycine 273 with arginine.
Molecular consequence: missense variant.
Genome position (GRCh38, 1-based): chr7:152,648,668, C>T on the plus strand (G>A on the coding strand, the complement: XRCC2 is on the minus strand). VCF-style: chr7-152648668-C-T. GRCh37 (hg19) VCF-style: chr7-152345753-C-T.
Other names: short protein forms G273R.
Identifiers: ClinVar variation 1319869 (VCV001319869.4), dbSNP rs1292317353, ClinGen allele CA370197871.